The following is an entry in ClinVar:

NM_004629.2(FANCG):c.1082G>A (p.Gly361Glu)

Gene: FANCG (FA complementation group G; minus strand). Cytogenetic location: 9p13.3.
Variant type: single nucleotide variant.
Coding change: c.1082G>A on transcript NM_004629.2 (MANE Select); coding-DNA position 1082, G replaced by A.
Protein change: p.Gly361Glu; replaces glycine 361 with glutamic acid.
Molecular consequence: missense variant.
Genome position (GRCh38, 1-based): chr9:35,076,023, C>T on the plus strand (G>A on the coding strand, the complement: FANCG is on the minus strand). VCF-style: chr9-35076023-C-T. GRCh37 (hg19) VCF-style: chr9-35076020-C-T.
Other names: short protein forms G361E.
Identifiers: ClinVar variation 966351 (VCV000966351.8), dbSNP rs1276088946, ClinGen allele CA373310348.

ClinVar aggregate classification (germline): Conflicting classifications of pathogenicity. Review status: criteria provided, conflicting classifications (1 of 4 stars). 3 submissions from 3 submitters: Uncertain significance (1); Likely benign (1). 1 of the submissions does not count toward it. Last evaluated 2025-02-15.

Conditions:
Inborn genetic diseases. Identifiers: MedGen C0950123, MeSH D030342.
Fanconi anemia complementation group G. Also called: Fanconi anemia group G; FANCG-Related Fanconi Anemia. Identifiers: Orphanet 84, MedGen C3469527, MONDO:0013565, OMIM 614082.
Fanconi anemia (FA). Also called: Fanconi's anemia. Identifiers: Orphanet 84, MedGen C0015625, MeSH D005199, MONDO:0019391.

Allele frequency attached by ClinVar (database versions not stated): gnomAD exomes below 0.00001.
gnomAD v4.1: 1 of 1,614,050 alleles (0.000062%); highest among the groups gnomAD compares: Non-Finnish European, 0.000085%; no homozygotes.

Submissions (3):

Ambry Genetics
Classification: Likely benign for Inborn genetic diseases. Last evaluated: 2025-02-15. Review status: criteria provided, single submitter. Criteria: Ambry Variant Classification Scheme 2023. Collection method: clinical testing. Allele origin: germline.

Labcorp Genetics (formerly Invitae), Labcorp
Classification: Uncertain significance for Fanconi anemia. Last evaluated: 2021-08-27. Review status: criteria provided, single submitter. Criteria: Invitae Variant Classification Sherloc (09022015). Collection method: clinical testing. Allele origin: germline.
Comment: This sequence change replaces glycine with glutamic acid at codon 361 of the FANCG protein (p.Gly361Glu). The glycine residue is weakly conserved and there is a moderate physicochemical difference between glycine and glutamic acid. This variant is not present in population databases (ExAC no frequency). This variant has not been reported in the literature in individuals affected with FANCG-related conditions. Algorithms developed to predict the effect of missense changes on protein structure and function output the following: SIFT: "Tolerated"; PolyPhen-2: "Benign"; Align-GVGD: "Class C0". The glutamic acid amino acid residue is found in multiple mammalian species, which suggests that this missense change does not adversely affect protein function. In summary, the available evidence is currently insufficient to determine the role of this variant in disease. Therefore, it has been classified as a Variant of Uncertain Significance.

Natera, Inc.
Classification: Uncertain significance for Fanconi anemia group G. Last evaluated: 2021-02-02. Review status: no assertion criteria provided. Collection method: clinical testing. Allele origin: germline. Not counted in ClinVar's aggregate classification.